The following is an entry in ClinVar:

ClinVar aggregate classification (germline): Likely benign (1 of 4 stars; one submission).

Conditions:
PTH2R-related disorder. Also called: PTH2R-related condition.

gnomAD v4.1: 292 of 1,611,560 alleles (0.018%); highest among the groups gnomAD compares: East Asian, 0.23%; 15 homozygotes.

Submission:

PreventionGenetics, part of Exact Sciences
Classification: Likely benign for PTH2R-related condition. Last evaluated: 2026-02-06. Review status: criteria provided, single submitter. Criteria: ACMG Guidelines, 2015. Collection method: clinical testing. Allele origin: germline.
Comment: This variant is classified as likely benign based on ACMG/AMP sequence variant interpretation guidelines (Richards et al. 2015 PMID: 25741868, with internal and published modifications).

NM_005048.4(PTH2R):c.484G>T (p.Ala162Ser)

Gene: PTH2R (parathyroid hormone 2 receptor; plus strand). Cytogenetic location: 2q34.
Variant type: single nucleotide variant.
Coding change: c.484G>T on transcript NM_005048.4 (MANE Select); coding-DNA position 484, G replaced by T.
Protein change: p.Ala162Ser; replaces alanine 162 with serine.
Molecular consequence: missense variant. On other transcripts: non-coding transcript variant (4).
Genome position (GRCh38, 1-based): chr2:208,442,436, G>T. VCF-style: chr2-208442436-G-T. GRCh37 (hg19) VCF-style: chr2-209307161-G-T.
Other names: c.151G>T, p.Ala51Ser (NM_001309516.2, NM_001371905.1, NM_001371906.1 and 1 more transcripts); short protein forms A51S, A162S.
Identifiers: ClinVar variation 4993047 (VCV004993047.1).
Genomic context (GRCh38, chr2:208,442,436, plus strand): 5'-GAACGCCTCTATGTAATGTATACCGTTGGCTACTCCATCTCTTTTGGTTCCTTGGCTGTG[G>T]CTATTCTCATCATTGGTTACTTCAGGTGAGTGATGCCCATCACTTTTTCCATGAAGGGGC-3'
Protein context (NP_005039.1, residues 152-172): YSISFGSLAV[Ala162Ser]ILIIGYFRRL